The following is an entry in ClinVar:

ClinVar aggregate classification (germline): Uncertain significance (1 of 4 stars; one submission).

Conditions:
Primary ciliary dyskinesia. Also called: Ciliary dyskinesia. Identifiers: Orphanet 244, MedGen C0008780, MONDO:0016575, HP:0012265.

Allele frequency attached by ClinVar (database versions not stated): ExAC 0.00001; gnomAD 0.00001; gnomAD exomes 0.00001 and 0.00002; TOPMed 0.00002.
gnomAD v4.1: 27 of 1,613,934 alleles (0.0017%); highest among the groups gnomAD compares: East Asian, 0.016%; no homozygotes.

Submission:

Labcorp Genetics (formerly Invitae), Labcorp
Classification: Uncertain significance for Primary ciliary dyskinesia. Last evaluated: 2025-02-27. Review status: criteria provided, single submitter. Criteria: Invitae Variant Classification Sherloc (09022015). Collection method: clinical testing. Allele origin: germline.
Comment: This sequence change replaces arginine, which is basic and polar, with glutamine, which is neutral and polar, at codon 636 of the DNAAF1 protein (p.Arg636Gln). The frequency data for this variant in the population databases is considered unreliable, as metrics indicate poor data quality at this position in the gnomAD database. This variant has not been reported in the literature in individuals affected with DNAAF1-related conditions. ClinVar contains an entry for this variant (Variation ID: 950113). An algorithm developed to predict the effect of missense changes on protein structure and function outputs the following: PolyPhen-2: "Benign". The glutamine amino acid residue is found in multiple mammalian species, which suggests that this missense change does not adversely affect protein function. In summary, the available evidence is currently insufficient to determine the role of this variant in disease. Therefore, it has been classified as a Variant of Uncertain Significance.

NM_178452.6(DNAAF1):c.1907G>A (p.Arg636Gln)

Gene: DNAAF1 (dynein axonemal assembly factor 1; plus strand). Cytogenetic location: 16q24.1.
Variant type: single nucleotide variant.
Coding change: c.1907G>A on transcript NM_178452.6 (MANE Select); coding-DNA position 1907, G replaced by A.
Protein change: p.Arg636Gln; replaces arginine 636 with glutamine.
Molecular consequence: missense variant.
Genome position (GRCh38, 1-based): chr16:84,176,141, G>A. VCF-style: chr16-84176141-G-A. GRCh37 (hg19) VCF-style: chr16-84209747-G-A.
Other names: c.1199G>A, p.Arg400Gln (NM_001318756.1); short protein forms R400Q, R636Q.
Identifiers: ClinVar variation 950113 (VCV000950113.8), dbSNP rs773443425, ClinGen allele CA8203056.